The following is an entry in ClinVar:

NM_025137.4(SPG11):c.2444+1G>C

Gene: SPG11 (SPG11 vesicle trafficking associated, spatacsin; minus strand). Cytogenetic location: 15q21.1.
Variant type: single nucleotide variant.
Coding change: c.2444+1G>C on transcript NM_025137.4 (MANE Select); the canonical splice donor site of the intron after coding-DNA position 2444, G replaced by C.
Molecular consequence: splice donor variant.
Genome position (GRCh38, 1-based): chr15:44,622,219, C>G on the plus strand (G>C on the coding strand, the complement: SPG11 is on the minus strand). VCF-style: chr15-44622219-C-G. GRCh37 (hg19) VCF-style: chr15-44914417-C-G.
Other names: c.2444+1G>C (NM_001411132.1, NM_001160227.2).
Identifiers: ClinVar variation 41290 (VCV000041290.8), dbSNP rs312262743, ClinGen allele CA344317.

ClinVar aggregate classification (germline): Pathogenic. Review status: criteria provided, multiple submitters, no conflicts (2 of 4 stars). 4 submissions from 4 submitters: Pathogenic (3). 1 of the submissions does not count toward it. Last evaluated 2024-09-29.

Conditions:
Hereditary spastic paraplegia 11. Also called: Nakamura Osame syndrome; Autosomal recessive hereditary spastic paraplegia, mental impairment, and thin corpus callosum; SPASTIC PARAPLEGIA, AUTOSOMAL RECESSIVE, COMPLICATED, WITH THIN CORPUS CALLOSUM; SPASTIC PARAPLEGIA, AUTOSOMAL RECESSIVE, WITH MENTAL IMPAIRMENT AND THIN CORPUS CALLOSUM; Spastic Paraplegia 11; Spastic paraplegia, mental retardation and thin corpus callosum. Identifiers: Orphanet 2822, MedGen C1858479, MONDO:0011445, OMIM 604360.

Allele frequency attached by ClinVar (database versions not stated): TOPMed 0.00001.

Submissions (4):

Dasa
Classification: Pathogenic. Last evaluated: 2024-09-29. Review status: criteria provided, single submitter. Criteria: DASA Assertion Criteria. Collection method: clinical testing. Allele origin: germline.
Comment: NM_025137.4(SPG11):c.2444+1G>C introduces a premature termination codon predicted to result in loss of normal protein function. Loss-of-function is an established mechanism of disease for this gene. This variant has been observed in affected individuals with related phenotype in a genotype context consistent with recessive disease. The variant is present at low frequency in population datasets. Based on the available data, this variant is classified as pathogenic.

Labcorp Genetics (formerly Invitae), Labcorp
Classification: Pathogenic for Hereditary spastic paraplegia 11. Last evaluated: 2023-07-01. Review status: criteria provided, single submitter. Criteria: Invitae Variant Classification Sherloc (09022015). Collection method: clinical testing. Allele origin: germline.
Comment: Disruption of this splice site has been observed in individual(s) with hereditary spastic paraplegia (PMID: 19105190, 34782662). In at least one individual the data is consistent with being in trans (on the opposite chromosome) from a pathogenic variant. ClinVar contains an entry for this variant (Variation ID: 41290). Algorithms developed to predict the effect of sequence changes on RNA splicing suggest that this variant may disrupt the consensus splice site. For these reasons, this variant has been classified as Pathogenic. This variant is not present in population databases (gnomAD no frequency). This sequence change affects a donor splice site in intron 13 of the SPG11 gene. It is expected to disrupt RNA splicing. Variants that disrupt the donor or acceptor splice site typically lead to a loss of protein function (PMID: 16199547), and loss-of-function variants in SPG11 are known to be pathogenic (PMID: 19105190, 20110243, 22154821, 26556829).

Mendelics
Classification: Pathogenic for Hereditary spastic paraplegia 11. Last evaluated: 2019-05-28. Review status: criteria provided, single submitter. Criteria: Mendelics Assertion Criteria 2017. Collection method: clinical testing. Allele origin: unknown.

GeneReviews
No classification provided. Condition: Hereditary spastic paraplegia 11. Review status: no classification provided. Collection method: literature only. Allele origin: unknown. Not counted in ClinVar's aggregate classification.

Literature cited by the submitters: PubMed 19105190 (cited by Labcorp Genetics (formerly Invitae), Labcorp and GeneReviews); PubMed 34782662 (cited by Labcorp Genetics (formerly Invitae), Labcorp); PubMed 16199547 (cited by Labcorp Genetics (formerly Invitae), Labcorp); PubMed 20110243 (cited by Labcorp Genetics (formerly Invitae), Labcorp); PubMed 22154821 (cited by Labcorp Genetics (formerly Invitae), Labcorp); PubMed 26556829 (cited by Labcorp Genetics (formerly Invitae), Labcorp); PubMed 20301389 (cited by GeneReviews); NCBI Bookshelf NBK1210 (cited by GeneReviews).